The following is an entry in ClinVar:

ClinVar aggregate classification (germline): Benign. Review status: criteria provided, multiple submitters, no conflicts (2 of 4 stars). 3 submissions from 3 submitters: Benign (2). 1 of the submissions does not count toward it. Last evaluated 2026-02-01.

Conditions:
DNAJC17-related disorder. Also called: DNAJC17-related condition.

Allele frequency attached by ClinVar (database versions not stated): gnomAD 0.04995 and 0.05346; TOPMed 0.05621; 1000 Genomes Project 0.05871; ESP Exome Variant Server 0.06028; 1000 Genomes Project 30x 0.06449; gnomAD exomes 0.00465 and 0.01266; ExAC 0.01642.
gnomAD v4.1: 14,679 of 1,613,822 alleles (0.91%); highest among the groups gnomAD compares: African/African-American, 18%; 1,206 homozygotes.

Submissions (3):

Labcorp Genetics (formerly Invitae), Labcorp
Classification: Benign. Last evaluated: 2026-02-01. Review status: criteria provided, single submitter. Criteria: Invitae Variant Classification Sherloc (09022015). Collection method: clinical testing. Allele origin: germline.

Breakthrough Genomics
Classification: Benign. Review status: criteria provided, single submitter. Criteria: ACMG Guidelines, 2015. Collection method: not provided. Allele origin: germline. Inheritance: Unknown mechanism. Affected: yes.

PreventionGenetics, part of Exact Sciences
Classification: Benign for DNAJC17-related condition. Last evaluated: 2019-08-28. Review status: no assertion criteria provided. Collection method: clinical testing. Allele origin: germline. Not counted in ClinVar's aggregate classification.
Comment: This variant is classified as benign based on ACMG/AMP sequence variant interpretation guidelines (Richards et al. 2015 PMID: 25741868, with internal and published modifications).

NM_018163.3(DNAJC17):c.463G>A (p.Asp155Asn)

Gene: DNAJC17 (DnaJ heat shock protein family (Hsp40) member C17; minus strand). Cytogenetic location: 15q15.1.
Variant type: single nucleotide variant.
Coding change: c.463G>A on transcript NM_018163.3 (MANE Select); coding-DNA position 463, G replaced by A.
Protein change: p.Asp155Asn; replaces aspartic acid 155 with asparagine.
Molecular consequence: missense variant.
Genome position (GRCh38, 1-based): chr15:40,776,211, C>T on the plus strand (G>A on the coding strand, the complement: DNAJC17 is on the minus strand). VCF-style: chr15-40776211-C-T. GRCh37 (hg19) VCF-style: chr15-41068409-C-T.
Other names: c.463G>A (NM_018163.2); short protein forms D155N.
Identifiers: ClinVar variation 1601221 (VCV001601221.11), dbSNP rs73398528, ClinGen allele CA7485143.